The following is an entry in ClinVar:

ClinVar aggregate classification (germline): Likely benign. Review status: criteria provided, multiple submitters, no conflicts (2 of 4 stars). 3 submissions from 3 submitters: Likely benign (3). Last evaluated 2026-04-01.

Allele frequency attached by ClinVar (database versions not stated): 1000 Genomes Project 0.00100; ESP Exome Variant Server 0.00101; 1000 Genomes Project 30x 0.00109; ExAC 0.00151; gnomAD exomes 0.00155; gnomAD 0.00167 and 0.00173; TOPMed 0.00204.
gnomAD v4.1: 2,752 of 1,613,302 alleles (0.17%); highest among the groups gnomAD compares: Middle Eastern, 1.4%; 7 homozygotes.

Submissions (3):

CeGaT Center for Human Genetics Tuebingen
Classification: Likely benign. Last evaluated: 2026-04-01. Review status: criteria provided, single submitter. Criteria: CeGaT Center For Human Genetics Tuebingen Variant Classification Criteria Version 2. Collection method: clinical testing. Allele origin: germline. Affected: yes. Observed: 2 variant alleles.
Comment: FBN3: BP4

Labcorp Genetics (formerly Invitae), Labcorp
Classification: Likely benign. Last evaluated: 2026-01-26. Review status: criteria provided, single submitter. Criteria: Invitae Variant Classification Sherloc (09022015). Collection method: clinical testing. Allele origin: germline.

Breakthrough Genomics
Classification: Likely benign. Review status: criteria provided, single submitter. Criteria: ACMG Guidelines, 2015. Collection method: not provided. Allele origin: germline. Inheritance: Unknown mechanism. Affected: yes.

NM_032447.5(FBN3):c.2942G>A (p.Arg981Gln)

Gene: FBN3 (fibrillin 3; minus strand). Cytogenetic location: 19p13.2.
Variant type: single nucleotide variant.
Coding change: c.2942G>A on transcript NM_032447.5 (MANE Select); coding-DNA position 2942, G replaced by A.
Protein change: p.Arg981Gln; replaces arginine 981 with glutamine.
Molecular consequence: missense variant.
Genome position (GRCh38, 1-based): chr19:8,123,798, C>T on the plus strand (G>A on the coding strand, the complement: FBN3 is on the minus strand). VCF-style: chr19-8123798-C-T. GRCh37 (hg19) VCF-style: chr19-8188682-C-T.
Other names: c.2942G>A, p.Arg981Gln (NM_001321431.2); short protein forms R981Q.
Identifiers: ClinVar variation 1142942 (VCV001142942.16), dbSNP rs147035742, ClinGen allele CA9152668.